The following is an entry in ClinVar:

ClinVar aggregate classification (germline): Uncertain significance (1 of 4 stars; one submission).

Conditions:
Rhabdoid tumor predisposition syndrome 2 (RTPS2). Identifiers: Orphanet 231108, Orphanet 69077, MedGen C2750074, MONDO:0013224, OMIM 613325.

Submission:

Labcorp Genetics (formerly Invitae), Labcorp
Classification: Uncertain significance for Rhabdoid tumor predisposition syndrome 2. Last evaluated: 2025-08-07. Review status: criteria provided, single submitter. Criteria: Invitae Variant Classification Sherloc (09022015). Collection method: clinical testing. Allele origin: germline.
Comment: This sequence change affects an acceptor splice site in intron 35 of the SMARCA4 gene. While this variant is not anticipated to result in nonsense mediated decay, it likely alters RNA splicing and results in a disrupted protein product. This variant is not present in population databases (gnomAD no frequency). This variant has not been reported in the literature in individuals affected with SMARCA4-related conditions. ClinVar contains an entry for this variant (Variation ID: 1061000). Variants that disrupt the consensus splice site are a relatively common cause of aberrant splicing (PMID: 17576681, 9536098). Algorithms developed to predict the effect of sequence changes on RNA splicing suggest that this variant may disrupt the consensus splice site. In summary, the available evidence is currently insufficient to determine the role of this variant in disease. Therefore, it has been classified as a Variant of Uncertain Significance.

Literature cited by the submitters: PubMed 17576681; PubMed 9536098.

NM_003072.5(SMARCA4):c.4912-2A>G

Gene: SMARCA4 (SWI/SNF related BAF chromatin remodeling complex subunit ATPase 4; plus strand). Cytogenetic location: 19p13.2.
Variant type: single nucleotide variant.
Coding change: c.4912-2A>G on transcript NM_003072.5 (MANE Select); the canonical splice acceptor site of the intron before coding-DNA position 4912, A replaced by G.
Molecular consequence: splice acceptor variant.
Genome position (GRCh38, 1-based): chr19:11,061,782, A>G. VCF-style: chr19-11061782-A-G. GRCh37 (hg19) VCF-style: chr19-11172458-A-G.
Other names: c.4912-2A>G (NM_001128844.3); c.5008-2A>G (NM_001128849.3, NM_001387283.1); c.4813-2A>G (NM_001128847.4, NM_001374457.1); c.4909-2A>G (NM_001411150.1); c.4822-2A>G (NM_001128845.2); c.4819-2A>G (NM_001128846.2); c.4810-2A>G (NM_001128848.2).
Identifiers: ClinVar variation 1061000 (VCV001061000.7), dbSNP rs2147157781, ClinGen allele CA404081766.
Genomic context (GRCh38, chr19:11,061,782, plus strand): 5'-CCTGGCAAGGTGCCCTGGCAGGGGTGGCCAACGCACACTCTCTCCTCCTGTCCCCTCTCC[A>G]GGACCGCTCAGGAAGTGGCAGCGAAGAAGACTGAGCCCCGACATTCCAGTCTCGACCCCG-3'